The following is an entry in ClinVar:

NM_001103.4(ACTN2):c.2610G>A (p.Ser870=)

Gene: ACTN2 (actinin alpha 2; plus strand). Cytogenetic location: 1q43.
Variant type: single nucleotide variant.
Coding change: c.2610G>A on transcript NM_001103.4 (MANE Select); coding-DNA position 2610, G replaced by A.
Protein change: p.Ser870=; no amino-acid change (serine 870 retained).
Molecular consequence: synonymous variant.
Genome position (GRCh38, 1-based): chr1:236,762,544, G>A. VCF-style: chr1-236762544-G-A. GRCh37 (hg19) VCF-style: chr1-236925844-G-A.
Other names: p.S870S:TCG>TCA; p.Ser870=; c.2610G>A, p.Ser870= (NM_001278343.2); c.1986G>A, p.Ser662= (NM_001278344.2).
Identifiers: ClinVar variation 43933 (VCV000043933.32), dbSNP rs12063382, ClinGen allele CA133190.
Genomic context (GRCh38, chr1:236,762,544, plus strand): 5'-GCGTCGGGAGCTGCCCCCGGATCAGGCCCAGTACTGCATCAAGAGGATGCCCGCCTACTC[G>A]GGCCCAGGCAGTGTGCCTGGTGCACTGGATTACGCTGCGTTCTCTTCCGCACTCTACGGG-3'
Protein context (NP_001094.1, residues 860-880): QYCIKRMPAY[Ser870=]GPGSVPGALD

ClinVar aggregate classification (germline): Benign/Likely benign. Review status: criteria provided, multiple submitters, no conflicts (2 of 4 stars). 12 submissions from 12 submitters: Benign (8); Likely benign (1). 3 of the submissions do not count toward it. Last evaluated 2026-02-04.

Conditions:
Cardiovascular phenotype. Identifiers: MedGen CN230736.
Dilated cardiomyopathy 1AA (CMD1AA). Also called: Cardiomyopathy, dilated, 1AA, with or without LVNC; CARDIOMYOPATHY, DILATED, 1AA, WITH OR WITHOUT LEFT VENTRICULAR NONCOMPACTION; CARDIOMYOPATHY, FAMILIAL HYPERTROPHIC, 23, WITH OR WITHOUT LEFT VENTRICULAR NONCOMPACTION. Identifiers: Orphanet 154, MedGen C2677338, MONDO:0012808, OMIM 612158.
Primary familial hypertrophic cardiomyopathy (HCM). Identifiers: Orphanet 99739, MedGen C0949658, MeSH D024741, MONDO:0024573. Inheritance: Various modes of inheritance.

Allele frequency attached by ClinVar (database versions not stated): ESP Exome Variant Server 0.15570; TOPMed 0.16083; gnomAD 0.16345 and 0.16579; gnomAD exomes 0.16821; ExAC 0.16881; 1000 Genomes Project 30x 0.19457; 1000 Genomes Project 0.19609.

Submissions (12):

Labcorp Genetics (formerly Invitae), Labcorp
Classification: Benign for Primary familial hypertrophic cardiomyopathy; Dilated cardiomyopathy 1AA. Last evaluated: 2026-02-04. Review status: criteria provided, single submitter. Criteria: Invitae Variant Classification Sherloc (09022015). Collection method: clinical testing. Allele origin: germline.

Molecular Diagnostic Laboratory for Inherited Cardiovascular Disease, Montreal Heart Institute
Classification: Benign. Last evaluated: 2025-04-09. Review status: criteria provided, single submitter. Criteria: ACMG Guidelines, 2015. Collection method: clinical testing. Allele origin: germline. Affected: no.
Comment: BA1

Blueprint Genetics
Classification: Benign. Last evaluated: 2024-11-26. Review status: criteria provided, single submitter. Criteria: ACMG Guidelines, 2015. Collection method: clinical testing. Allele origin: germline.

Ambry Genetics
Classification: Benign for Cardiovascular phenotype. Last evaluated: 2015-06-15. Review status: criteria provided, single submitter. Criteria: Ambry Variant Classification Scheme 2023. Collection method: clinical testing. Allele origin: germline.

Mayo Clinic Laboratories, Mayo Clinic
Classification: Benign. Last evaluated: 2014-08-06. Review status: criteria provided, single submitter. Criteria: ACMG Guidelines, 2015. Collection method: clinical testing. Allele origin: germline. Observed: 454 variant alleles.

GeneDx
Classification: Benign. Last evaluated: 2013-02-06. Review status: criteria provided, single submitter. Criteria: GeneDx Variant Classification (06012015). Collection method: clinical testing. Allele origin: germline. Affected: yes.
Comment: This variant is considered likely benign or benign based on one or more of the following criteria: it is a conservative change, it occurs at a poorly conserved position in the protein, it is predicted to be benign by multiple in silico algorithms, and/or has population frequency not consistent with disease.

Laboratory for Molecular Medicine, Mass General Brigham Personalized Medicine
Classification: Benign. Last evaluated: 2009-03-31. Review status: criteria provided, single submitter. Criteria: LMM Criteria. Collection method: clinical testing. Allele origin: germline. Observed: 934 variant alleles.

Breakthrough Genomics
Classification: Likely benign. Review status: criteria provided, single submitter. Criteria: ACMG Guidelines, 2015. Collection method: not provided. Allele origin: germline. Inheritance: Autosomal dominant inheritance. Affected: yes.

PreventionGenetics, part of Exact Sciences
Classification: Benign. Review status: criteria provided, single submitter. Criteria: ACMG Guidelines, 2015. Collection method: clinical testing. Allele origin: germline.

Clinical Genetics, Academic Medical Center
Classification: Benign. Review status: no assertion criteria provided. Collection method: clinical testing. Allele origin: germline. Affected: yes. Study: VKGL Data-share Consensus. Not counted in ClinVar's aggregate classification.

Diagnostic Laboratory, Department of Genetics, University Medical Center Groningen
Classification: Benign for Dilated cardiomyopathy 1AA. Review status: no assertion criteria provided. Collection method: clinical testing. Allele origin: germline. Affected: yes. Study: VKGL Data-share Consensus. Not counted in ClinVar's aggregate classification.

Joint Genome Diagnostic Labs from Nijmegen and Maastricht, Radboudumc and MUMC+
Classification: Benign. Review status: no assertion criteria provided. Collection method: clinical testing. Allele origin: germline. Affected: yes. Study: VKGL Data-share Consensus. Not counted in ClinVar's aggregate classification.